The following is an entry in ClinVar:

NM_004560.4(ROR2):c.1885G>A (p.Val629Met)

Gene: ROR2 (receptor tyrosine kinase like orphan receptor 2; minus strand). Cytogenetic location: 9q22.31.
Variant type: single nucleotide variant.
Coding change: c.1885G>A on transcript NM_004560.4 (MANE Select); coding-DNA position 1885, G replaced by A.
Protein change: p.Val629Met; replaces valine 629 with methionine.
Molecular consequence: missense variant.
Genome position (GRCh38, 1-based): chr9:91,724,609, C>T on the plus strand (G>A on the coding strand, the complement: ROR2 is on the minus strand). VCF-style: chr9-91724609-C-T. GRCh37 (hg19) VCF-style: chr9-94486891-C-T.
Other names: c.1885G>A (NM_004560.3); short protein forms V629M.
Identifiers: ClinVar variation 286284 (VCV000286284.12), dbSNP rs148844963, ClinGen allele CA5120537.

ClinVar aggregate classification (germline): Uncertain significance. Review status: criteria provided, multiple submitters, no conflicts (2 of 4 stars). 4 submissions from 4 submitters: Uncertain significance (4). Last evaluated 2025-11-21.

Conditions:
Inborn genetic diseases. Identifiers: MedGen C0950123, MeSH D030342.
Brachydactyly type B1 (BDB1). Identifiers: Orphanet 572385, Orphanet 93383, MedGen C1862112, MONDO:0007220, OMIM 113000.
Autosomal recessive Robinow syndrome (RRS1). Also called: COSTOVERTEBRAL SEGMENTATION DEFECT WITH MESOMELIA; COVESDEM SYNDROME; ROBINOW SYNDROME, AUTOSOMAL RECESSIVE 1; ROR2-Related Robinow Syndrome. Identifiers: Orphanet 1507, Orphanet 97360, MedGen C5399974, MONDO:0009999, OMIM 268310.

Allele frequency attached by ClinVar (database versions not stated): ExAC 0.00011; gnomAD 0.00011; ESP Exome Variant Server 0.00015; gnomAD exomes 0.00015; TOPMed 0.00022.
gnomAD v4.1: 75 of 1,614,102 alleles (0.0046%); highest among the groups gnomAD compares: Admixed American, 0.075%; no homozygotes.

Submissions (4):

Labcorp Genetics (formerly Invitae), Labcorp
Classification: Uncertain significance. Last evaluated: 2025-11-21. Review status: criteria provided, single submitter. Criteria: Invitae Variant Classification Sherloc (09022015). Collection method: clinical testing. Allele origin: germline.
Comment: This sequence change replaces valine, which is neutral and non-polar, with methionine, which is neutral and non-polar, at codon 629 of the ROR2 protein (p.Val629Met). This variant is present in population databases (rs148844963, gnomAD 0.08%). This variant has not been reported in the literature in individuals affected with ROR2-related conditions. ClinVar contains an entry for this variant (Variation ID: 286284). Invitae Evidence Modeling of protein sequence and biophysical properties (such as structural, functional, and spatial information, amino acid conservation, physicochemical variation, residue mobility, and thermodynamic stability) indicates that this missense variant is not expected to disrupt ROR2 protein function with a negative predictive value of 80%. In summary, the available evidence is currently insufficient to determine the role of this variant in disease. Therefore, it has been classified as a Variant of Uncertain Significance.

Ambry Genetics
Classification: Uncertain significance for Inborn genetic diseases. Last evaluated: 2025-02-08. Review status: criteria provided, single submitter. Criteria: Ambry Variant Classification Scheme 2023. Collection method: clinical testing. Allele origin: germline.

Fulgent Genetics
Classification: Uncertain significance for Brachydactyly type B1; Autosomal recessive Robinow syndrome. Last evaluated: 2021-12-22. Review status: criteria provided, single submitter. Criteria: ACMG Guidelines, 2015. Collection method: clinical testing. Allele origin: unknown.

Eurofins Ntd Llc (ga)
Classification: Uncertain significance. Last evaluated: 2016-03-29. Review status: criteria provided, single submitter. Criteria: EGL Classification Definitions 2015. Collection method: clinical testing. Allele origin: germline. Observed: 1 variant allele, 1 heterozygote.